The following is an entry in ClinVar:

NM_033026.6(PCLO):c.9473G>A (p.Gly3158Asp)

Gene: PCLO (piccolo presynaptic cytomatrix protein; minus strand). Cytogenetic location: 7q21.11.
Variant type: single nucleotide variant.
Coding change: c.9473G>A on transcript NM_033026.6 (MANE Select); coding-DNA position 9473, G replaced by A.
Protein change: p.Gly3158Asp; replaces glycine 3158 with aspartic acid.
Molecular consequence: missense variant.
Genome position (GRCh38, 1-based): chr7:82,951,115, C>T on the plus strand (G>A on the coding strand, the complement: PCLO is on the minus strand). VCF-style: chr7-82951115-C-T. GRCh37 (hg19) VCF-style: chr7-82580431-C-T.
Other names: c.9473G>A, p.Gly3158Asp (NM_014510.3); c.9473G>A (NM_033026.5); short protein forms G3158D.
Identifiers: ClinVar variation 1504473 (VCV001504473.4), dbSNP rs769409699, ClinGen allele CA4319917.
Genomic context (GRCh38, chr7:82,951,115, plus strand): 5'-ATCGTCTCAGCAGTAAGAGACTCCATAGTAATAGTTTGCAAACTGGCACTGATATCAATA[C>T]CAGTTACTGCAATGTCCGTTTCAGATGCACCTGTTGTTATAAAATATGATCTAGGCATTG-3'
Protein context (NP_149015.2, residues 3148-3168): GASETDIAVT[Gly3158Asp]IDISASLQTI

ClinVar aggregate classification (germline): Uncertain significance. Review status: criteria provided, multiple submitters, no conflicts (2 of 4 stars). 2 submissions from 2 submitters: Uncertain significance (2). Last evaluated 2024-01-08.

Conditions:
Inborn genetic diseases. Identifiers: MedGen C0950123, MeSH D030342.

Allele frequency attached by ClinVar (database versions not stated): TOPMed 0.00002; gnomAD 0.00003 and 0.00004.
gnomAD v4.1: 13 of 1,613,456 alleles (0.00081%); highest among the groups gnomAD compares: East Asian, 0.025%; no homozygotes.

Submissions (2):

Ambry Genetics
Classification: Uncertain significance for Inborn genetic diseases. Last evaluated: 2024-01-08. Review status: criteria provided, single submitter. Criteria: Ambry Variant Classification Scheme 2023. Collection method: clinical testing. Allele origin: germline.

Labcorp Genetics (formerly Invitae), Labcorp
Classification: Uncertain significance. Last evaluated: 2022-01-14. Review status: criteria provided, single submitter. Criteria: Invitae Variant Classification Sherloc (09022015). Collection method: clinical testing. Allele origin: germline.
Comment: This sequence change replaces glycine, which is neutral and non-polar, with aspartic acid, which is acidic and polar, at codon 3158 of the PCLO protein (p.Gly3158Asp). This variant is present in population databases (rs769409699, gnomAD 0.04%). This variant has not been reported in the literature in individuals affected with PCLO-related conditions. Algorithms developed to predict the effect of missense changes on protein structure and function are either unavailable or do not agree on the potential impact of this missense change (SIFT: "Tolerated"; PolyPhen-2: "Not Available"; Align-GVGD: "Class C0"). In summary, the available evidence is currently insufficient to determine the role of this variant in disease. Therefore, it has been classified as a Variant of Uncertain Significance.